The following is an entry in ClinVar:

NM_004168.4(SDHA):c.1296G>A (p.Val432=)

Gene: SDHA (succinate dehydrogenase complex flavoprotein subunit A; plus strand). Cytogenetic location: 5p15.33.
Variant type: single nucleotide variant.
Coding change: c.1296G>A on transcript NM_004168.4 (MANE Select); coding-DNA position 1296, G replaced by A.
Protein change: p.Val432=; no amino-acid change (valine 432 retained).
Molecular consequence: synonymous variant.
Genome position (GRCh38, 1-based): chr5:236,463, G>A. VCF-style: chr5-236463-G-A. GRCh37 (hg19) VCF-style: chr5-236578-G-A.
Other names: c.1152G>A, p.Val384= (NM_001294332.2); c.1296G>A, p.Val432= (NM_001330758.2); c.1296G>A (NM_004168.2).
Identifiers: ClinVar variation 2171679 (VCV002171679.6), dbSNP rs1223308548, ClinGen allele CA442692076.

ClinVar aggregate classification (germline): Benign/Likely benign. Review status: criteria provided, multiple submitters, no conflicts (2 of 4 stars). 3 submissions from 3 submitters: Benign (1); Likely benign (2). Last evaluated 2025-11-17.

Conditions:
Pheochromocytoma/paraganglioma syndrome 5. Also called: Paragangliomas 5; SDHA-Related Hereditary Paraganglioma-Pheochromocytoma Syndrome. Identifiers: Orphanet 29072, MedGen C3279992, MONDO:0013602, OMIM 614165.
Mitochondrial complex II deficiency, nuclear type 1. Also called: SUCCINATE CoQ REDUCTASE DEFICIENCY. Identifiers: Orphanet 3208, MedGen C5700310, MONDO:0100294, OMIM 252011.
Hereditary cancer-predisposing syndrome. Also called: Hereditary Cancer Syndrome; Neoplastic Syndromes, Hereditary; Tumor predisposition; Hereditary neoplastic syndrome. Identifiers: Orphanet 140162, MedGen C0027672, MeSH D009386, MONDO:0015356.

Allele frequency attached by ClinVar (database versions not stated): gnomAD exomes below 0.00001; TOPMed 0.00001.
gnomAD v4.1: 2 of 1,613,926 alleles (0.00012%); highest among the groups gnomAD compares: Admixed American, 0.0017%; no homozygotes.

Submissions (3):

Ambry Genetics
Classification: Likely benign for Hereditary cancer-predisposing syndrome. Last evaluated: 2025-11-17. Review status: criteria provided, single submitter. Criteria: Ambry Variant Classification Scheme 2023. Collection method: clinical testing. Allele origin: germline.

Myriad Genetics, Inc.
Classification: Benign for Pheochromocytoma/paraganglioma syndrome 5. Last evaluated: 2025-03-10. Review status: criteria provided, single submitter. Criteria: Myriad Autosomal Dominant, Autosomal Recessive and X-Linked Classification Criteria (2023). Collection method: clinical testing. Allele origin: unknown.
Comment: This variant is considered benign. This variant is a silent/synonymous amino acid change and it is not expected to impact splicing.

Labcorp Genetics (formerly Invitae), Labcorp
Classification: Likely benign for Pheochromocytoma/paraganglioma syndrome 5; Mitochondrial complex II deficiency, nuclear type 1. Last evaluated: 2024-11-07. Review status: criteria provided, single submitter. Criteria: Invitae Variant Classification Sherloc (09022015). Collection method: clinical testing. Allele origin: germline.